The following is an entry in ClinVar:

NM_001349278.2(ANKRD28):c.2046T>C (p.Asn682=)

Genes: ANKRD28 (ankyrin repeat domain 28; minus strand), BTD (biotinidase; plus strand). Cytogenetic location: 3p25.1.
Variant type: single nucleotide variant.
Coding change: c.2046T>C on transcript NM_001349278.2 (MANE Select); coding-DNA position 2046, T replaced by C.
Protein change: p.Asn682=; no amino-acid change (asparagine 682 retained).
Molecular consequence: synonymous variant. On other transcripts: non-coding transcript variant (2), intron variant (4).
Genome position (GRCh38, 1-based): chr3:15,686,227, A>G on the plus strand (T>C on the coding strand, the complement: ANKRD28 is on the minus strand). VCF-style: chr3-15686227-A-G. GRCh37 (hg19) VCF-style: chr3-15727734-A-G.
Other names: c.1494T>C, p.Asn498= (NM_001195098.1, NM_001195099.2, NM_001349283.2); c.2055T>C, p.Asn685= (NM_001349277.2); c.1947T>C, p.Asn649= (NM_001349279.2); c.1788T>C, p.Asn596= (NM_001349280.1, NM_001349281.2, NM_001349282.2); c.1956T>C, p.Asn652= (NM_015199.4); c.1016-35543A>G (NM_001370752.1, NM_001407379.1); c.400-24172A>G (NM_001370753.1); c.400-2084A>G (NM_001407400.1).
Identifiers: ClinVar variation 5040585 (VCV005040585.1).

ClinVar aggregate classification (germline): Likely benign (1 of 4 stars; one submission).

gnomAD v4.1: 1 of 1,591,416 alleles (0.000063%); highest among the groups gnomAD compares: Non-Finnish European, 0.000086%; no homozygotes.

Submission:

CeGaT Center for Human Genetics Tuebingen
Classification: Likely benign. Last evaluated: 2026-08-01. Review status: criteria provided, single submitter. Criteria: CeGaT Center For Human Genetics Tuebingen Variant Classification Criteria Version 2. Collection method: clinical testing. Allele origin: germline. Affected: yes. Observed: 2 variant alleles.
Comment: ANKRD28: BP4, BP7